The following is an entry in ClinVar:

NM_020987.5(ANK3):c.1680A>G (p.Ile560Met)

Gene: ANK3 (ankyrin 3; minus strand). Cytogenetic location: 10q21.2.
Variant type: single nucleotide variant.
Coding change: c.1680A>G on transcript NM_020987.5 (MANE Select); coding-DNA position 1680, A replaced by G.
Protein change: p.Ile560Met; replaces isoleucine 560 with methionine.
Molecular consequence: missense variant.
Genome position (GRCh38, 1-based): chr10:60,198,349, T>C on the plus strand (A>G on the coding strand, the complement: ANK3 is on the minus strand). VCF-style: chr10-60198349-T-C. GRCh37 (hg19) VCF-style: chr10-61958107-T-C.
Other names: c.1662A>G, p.Ile554Met (NM_001204403.2); c.1629A>G, p.Ile543Met (NM_001204404.2); c.1680A>G, p.Ile560Met (NM_001320874.2); short protein forms I543M, I554M, I560M.
Identifiers: ClinVar variation 3773894 (VCV003773894.1).

ClinVar aggregate classification (germline): Uncertain significance (1 of 4 stars; one submission).

gnomAD v4.1: 6 of 1,614,074 alleles (0.00037%); highest among the groups gnomAD compares: African/African-American, 0.0067%; no homozygotes.

Submission:

GeneDx
Classification: Uncertain significance. Last evaluated: 2024-09-22. Review status: criteria provided, single submitter. Criteria: GeneDx Variant Classification Process June 2021. Collection method: clinical testing. Allele origin: germline. Affected: yes.
Comment: Not observed at significant frequency in large population cohorts (gnomAD); In silico analysis indicates that this missense variant does not alter protein structure/function; Has not been previously published as pathogenic or benign to our knowledge